The following is an entry in ClinVar:

ClinVar aggregate classification (germline): Uncertain significance (1 of 4 stars; one submission).

Allele frequency attached by ClinVar (database versions not stated): gnomAD exomes 0.00001.
gnomAD v4.1: 3 of 1,614,126 alleles (0.00019%); highest among the groups gnomAD compares: Non-Finnish European, 0.00025%; no homozygotes.

Submission:

Labcorp Genetics (formerly Invitae), Labcorp
Classification: Uncertain significance. Last evaluated: 2023-07-14. Review status: criteria provided, single submitter. Criteria: Invitae Variant Classification Sherloc (09022015). Collection method: clinical testing. Allele origin: germline.
Comment: In summary, the available evidence is currently insufficient to determine the role of this variant in disease. Therefore, it has been classified as a Variant of Uncertain Significance. Advanced modeling of protein sequence and biophysical properties (such as structural, functional, and spatial information, amino acid conservation, physicochemical variation, residue mobility, and thermodynamic stability) performed at Invitae indicates that this missense variant is not expected to disrupt TRPM1 protein function. ClinVar contains an entry for this variant (Variation ID: 1004797). This variant has not been reported in the literature in individuals affected with TRPM1-related conditions. This variant is not present in population databases (gnomAD no frequency). This sequence change replaces proline, which is neutral and non-polar, with leucine, which is neutral and non-polar, at codon 372 of the TRPM1 protein (p.Pro372Leu).

NM_001252024.2(TRPM1):c.1181C>T (p.Pro394Leu)

Gene: TRPM1 (transient receptor potential cation channel subfamily M member 1; minus strand). Cytogenetic location: 15q13.3.
Variant type: single nucleotide variant.
Coding change: c.1181C>T on transcript NM_001252024.2 (MANE Select); coding-DNA position 1181, C replaced by T.
Protein change: p.Pro394Leu; replaces proline 394 with leucine.
Molecular consequence: missense variant.
Genome position (GRCh38, 1-based): chr15:31,060,626, G>A on the plus strand (C>T on the coding strand, the complement: TRPM1 is on the minus strand). VCF-style: chr15-31060626-G-A. GRCh37 (hg19) VCF-style: chr15-31352829-G-A.
Other names: c.1232C>T, p.Pro411Leu (NM_001252020.2); c.1115C>T, p.Pro372Leu (NM_002420.6); short protein forms P372L, P394L, P411L.
Identifiers: ClinVar variation 1004797 (VCV001004797.8), dbSNP rs746919753, ClinGen allele CA391521785.
Genomic context (GRCh38, chr15:31,060,626, plus strand): 5'-AAGATCTGGCTTCGTGCTATGTCCACGCGGTTCCAAGCCAGTGCCAAGCTCAGCTGATCT[G>A]GAGCAGATACGTTTGTTCCTGGAAAGGCAAGAAACCGGAATGATTTTTCACTCCACGCCT-3'
Protein context (NP_001238953.1, residues 384-404): ALLKGTNVSA[Pro394Leu]DQLSLALAWN